The following is an entry in ClinVar:

ClinVar aggregate classification (germline): Uncertain significance (1 of 4 stars; one submission).

Submission:

CeGaT Center for Human Genetics Tuebingen
Classification: Uncertain significance. Last evaluated: 2026-07-01. Review status: criteria provided, single submitter. Criteria: CeGaT Center For Human Genetics Tuebingen Variant Classification Criteria Version 2. Collection method: clinical testing. Allele origin: germline. Affected: yes. Observed: 1 variant allele.
Comment: KCNT2: PM2, PVS1:Moderate

NM_198503.5(KCNT2):c.1848del (p.Pro617fs)

Gene: KCNT2 (potassium sodium-activated channel subfamily T member 2; minus strand). Cytogenetic location: 1q31.3.
Variant type: Deletion.
Coding change: c.1848del on transcript NM_198503.5 (MANE Select); coding-DNA position 1848, one base deleted (T; older notation c.1848delT).
Protein change: p.Pro617fs; shifts the reading frame from proline 617.
Molecular consequence: frameshift variant. On other transcripts: non-coding transcript variant (2).
Genome position (GRCh38, 1-based): chr1:196,333,996, A deleted on the plus strand (T on the coding strand, the reverse complement: KCNT2 is on the minus strand); the first of 2 consecutive A bases (chr1:196,333,996-196,333,997); deleting either gives the same sequence. VCF-style (leftmost placement, unchanged base first): chr1-196333995-GA-G. GRCh37 (hg19) VCF-style: chr1-196303125-GA-G.
Other names: c.1848del, p.Pro617fs (NM_001287819.3); c.1698del, p.Pro567fs (NM_001287820.3); short protein forms P567fs, P617fs.
Identifiers: ClinVar variation 4875423 (VCV004875423.2).
Genomic context (GRCh38, chr1:196,333,995, plus strand): 5'-CTGCAACCTCTAAAACAGGAGCAATGCTAGGTCTTCTTATTTCTTTGCTTCCCTCTGTAG[GA>G]AGAGACAGGGTAGGGCCACTTGCTGATCTACAGCTTGTATCTTGCAAGTCTATAGCCACA-3'